The following is an entry in ClinVar:

ClinVar aggregate classification (germline): Uncertain significance (1 of 4 stars; one submission).

Allele frequency attached by ClinVar (database versions not stated): gnomAD exomes below 0.00001.
gnomAD v4.1: 1 of 1,521,684 alleles (0.000066%); highest among the groups gnomAD compares: South Asian, 0.0012%; no homozygotes.

Submission:

Labcorp Genetics (formerly Invitae), Labcorp
Classification: Uncertain significance. Last evaluated: 2026-01-12. Review status: criteria provided, single submitter. Criteria: Invitae Variant Classification Sherloc (09022015). Collection method: clinical testing. Allele origin: germline.
Comment: This sequence change replaces alanine, which is neutral and non-polar, with valine, which is neutral and non-polar, at codon 2 of the CPOX protein (p.Ala2Val). The frequency data for this variant in the population databases is considered unreliable, as metrics indicate poor data quality at this position in the gnomAD database. This variant has not been reported in the literature in individuals affected with CPOX-related conditions. ClinVar contains an entry for this variant (Variation ID: 2014109). An algorithm developed to predict the effect of missense changes on protein structure and function (PolyPhen-2) suggests that this variant is likely to be tolerated. In summary, the available evidence is currently insufficient to determine the role of this variant in disease. Therefore, it has been classified as a Variant of Uncertain Significance.

NM_000097.7(CPOX):c.5C>T (p.Ala2Val)

Genes: CPOX (coproporphyrinogen oxidase; minus strand), LOC129937121 (ATAC-STARR-seq lymphoblastoid silent region 14560; plus strand). Cytogenetic location: 3q11.2.
Variant type: single nucleotide variant.
Coding change: c.5C>T on transcript NM_000097.7 (MANE Select); coding-DNA position 5, C replaced by T.
Protein change: p.Ala2Val; replaces alanine 2 with valine.
Molecular consequence: missense variant.
Genome position (GRCh38, 1-based): chr3:98,593,500, G>A on the plus strand (C>T on the coding strand, the complement: CPOX is on the minus strand). VCF-style: chr3-98593500-G-A. GRCh37 (hg19) VCF-style: chr3-98312344-G-A.
Other names: short protein forms A2V.
Identifiers: ClinVar variation 2014109 (VCV002014109.4), dbSNP rs1323789371, ClinGen allele CA353647340.